The following is an entry in ClinVar:

ClinVar aggregate classification (germline): Benign. Review status: criteria provided, multiple submitters, no conflicts (2 of 4 stars). 7 submissions from 7 submitters: Benign (4). 3 of the submissions do not count toward it. Last evaluated 2018-08-11.

Conditions:
MAPT-Related Spectrum Disorders.

Allele frequency attached by ClinVar (database versions not stated): gnomAD 0.14470 and 0.14184; 1000 Genomes Project 0.08626; gnomAD exomes 0.14463 and 0.19399; TOPMed 0.14812; ExAC 0.14880; ESP Exome Variant Server 0.16369; 1000 Genomes Project 30x 0.08542.
gnomAD v4.1: 303,719 of 1,610,688 alleles (19%); highest among the groups gnomAD compares: Non-Finnish European, 22%; 32,705 homozygotes.

Submissions (8):

GeneDx
Classification: Benign. Last evaluated: 2018-08-11. Review status: criteria provided, single submitter. Criteria: GeneDx Variant Classification Process June 2021. Collection method: clinical testing. Allele origin: germline. Affected: yes.

Illumina Laboratory Services, Illumina
Classification: Benign for MAPT-Related Spectrum Disorders. Last evaluated: 2018-01-13. Review status: criteria provided, single submitter. Criteria: ICSL Variant Classification Criteria 13 December 2019. Collection method: clinical testing. Allele origin: germline.
Comment: This variant was observed in the ICSL laboratory as part of a predisposition screen in an ostensibly healthy population. It had not been previously curated by ICSL or reported in the Human Gene Mutation Database (HGMD: prior to June 1st, 2018), and was therefore a candidate for classification through an automated scoring system. Utilizing variant allele frequency, disease prevalence and penetrance estimates, and inheritance mode, an automated score was calculated to assess if this variant is too frequent to cause the disease. Based on the score and internal cut-off values, a variant classified as benign is not then subjected to further curation. The score for this variant resulted in a classification of benign for this disease.

Breakthrough Genomics
Classification: Benign. Review status: criteria provided, single submitter. Criteria: ACMG Guidelines, 2015. Collection method: not provided. Allele origin: germline. Inheritance: Autosomal recessive inheritance. Affected: yes.

PreventionGenetics, part of Exact Sciences
Classification: Benign. Review status: criteria provided, single submitter. Criteria: ACMG Guidelines, 2015. Collection method: clinical testing. Allele origin: germline.

Clinical Genetics DNA and cytogenetics Diagnostics Lab, Erasmus MC, Erasmus Medical Center
Classification: Benign. Review status: no assertion criteria provided. Collection method: clinical testing. Allele origin: germline. Affected: yes. Study: VKGL Data-share Consensus. Not counted in ClinVar's aggregate classification.

Clinical Genetics, Academic Medical Center
Classification: Benign. Review status: no assertion criteria provided. Collection method: clinical testing. Allele origin: germline. Affected: yes. Study: VKGL Data-share Consensus. Not counted in ClinVar's aggregate classification.

Dr. Peter K. Rogan Lab, Western University
No classification provided (evidence only). Condition: Familial cancer of breast. Review status: no classification provided. Collection method: in vitro. Allele origin: not applicable. Functional consequence: skipped exon, retained intron. Not counted in ClinVar's aggregate classification.

Joint Genome Diagnostic Labs from Nijmegen and Maastricht, Radboudumc and MUMC+
Classification: Benign. Review status: no assertion criteria provided. Collection method: clinical testing. Allele origin: germline. Affected: yes. Study: VKGL Data-share Consensus. Not counted in ClinVar's aggregate classification.

NM_001377265.1(MAPT):c.-13A>G

Gene: MAPT (microtubule associated protein tau). Cytogenetic location: 17q21.31.
Variant type: single nucleotide variant.
Coding change: c.-13A>G on transcript NM_001377265.1 (MANE Select); 13 bases upstream of the start codon, A replaced by G.
Molecular consequence: 5 prime UTR variant. On other transcripts: non-coding transcript variant (1).
Genome position (GRCh38, 1-based): chr17:45,962,325, A>G. VCF-style: chr17-45962325-A-G. GRCh37 (hg19) VCF-style: chr17-44039691-A-G.
Other names: NC_000017.10:g.44039691A>G; c.-13A>G (NM_001123066.4, NM_001123067.4, NM_001203251.2 and 8 more transcripts).
Identifiers: ClinVar variation 257501 (VCV000257501.13), dbSNP rs17650901, ClinGen allele CA8617491.
Genomic context (GRCh38, chr17:45,962,325, plus strand): 5'-CCCCACTCTGCCCCCCAACACTCCTCAGAACTTATCCTCTCCTCTTCTTTCCCCAGGTGA[A>G]CTTTGAACCAGGATGGCTGAGCCCCGCCAGGAGTTCGAAGTGATGGAAGATCACGCTGGG-3'